The following is an entry in ClinVar:

NM_000548.5(TSC2):c.301_303dup (p.Val101_Leu102insVal)

Gene: TSC2 (TSC complex subunit 2; plus strand). Cytogenetic location: 16p13.3.
Variant type: Duplication.
Coding change: c.301_303dup on transcript NM_000548.5 (MANE Select); coding-DNA positions 301 to 303, 3 bases duplicated (GTG; older notation c.301_303dupGTG).
Protein change: p.Val101_Leu102insVal.
Molecular consequence: inframe insertion. On other transcripts: inframe indel (11), intron variant (2).
Genome position (GRCh38, 1-based): chr16:2,053,417-2,053,419, GTG duplicated; duplicating any 3 consecutive bases within chr16:2,053,416-2,053,419 gives the same sequence; the c. name uses the placement nearest the transcript's 3' end. VCF-style (leftmost placement, unchanged base first): chr16-2053415-C-CGGT. GRCh37 (hg19) VCF-style: chr16-2103416-C-CGGT.
Other names: c.301_303dup, p.Val101_Leu102insVal (NM_001077183.3, NM_001114382.3, NM_001363528.2 and 10 more transcripts); c.154_156dup, p.Val52_Leu53insVal (NM_001318829.2, NM_001406675.1, NM_001406676.1 and 2 more transcripts); c.334_336dup, p.Val112_Leu113insVal (NM_001318832.2); c.-516_-514dup (NM_001406680.1, NM_001406683.1, NM_001406687.1); c.-145_-143dup (NM_001406681.1); c.-1131_-1129dup (NM_001406689.1, NM_001406690.1, NM_001406691.1 and 2 more transcripts); c.-1437_-1435dup (NM_001406693.1); c.-1012_-1010dup (NM_001406694.1, NM_001406695.1); and 4 more.
Identifiers: ClinVar variation 2108507 (VCV002108507.4), dbSNP rs2548398218, ClinGen allele CA2580090631.

ClinVar aggregate classification (germline): Likely pathogenic (1 of 4 stars; one submission).

Conditions:
Tuberous sclerosis 2 (TSC2). Identifiers: Orphanet 805, MedGen C1860707, MONDO:0013199, OMIM 613254.

Submission:

Labcorp Genetics (formerly Invitae), Labcorp
Classification: Likely pathogenic for Tuberous sclerosis 2. Last evaluated: 2023-08-16. Review status: criteria provided, single submitter. Criteria: Invitae Variant Classification Sherloc (09022015). Collection method: clinical testing. Allele origin: germline.
Comment: This variant has been observed in individual(s) with tuberous sclerosis complex (Invitae). In at least one individual the variant was observed to be de novo. This variant is not present in population databases (gnomAD no frequency). This variant, c.301_303dup, results in the insertion of 1 amino acid(s) of the TSC2 protein (p.Val101dup), but otherwise preserves the integrity of the reading frame. ClinVar contains an entry for this variant (Variation ID: 2108507). In summary, the currently available evidence indicates that the variant is pathogenic, but additional data are needed to prove that conclusively. Therefore, this variant has been classified as Likely Pathogenic. Experimental studies and prediction algorithms are not available or were not evaluated, and the functional significance of this variant is currently unknown.